The following is an entry in ClinVar:

NM_000268.4(NF2):c.517-8_517-3delinsATAC

Gene: NF2 (NF2, moesin-ezrin-radixin like (MERLIN) tumor suppressor; plus strand). Cytogenetic location: 22q12.2.
Variant type: Indel.
Coding change: c.517-8_517-3delinsATAC on transcript NM_000268.4 (MANE Select); 8 bases into the intron before coding-DNA position 517 through 3 bases into the intron before coding-DNA position 517, TTTGGT replaced by ATAC.
Molecular consequence: intron variant.
Genome position (GRCh38, 1-based): chr22:29,655,586-29,655,591, TTTGGT replaced by ATAC. VCF-style: chr22-29655586-TTTGGT-ATAC. GRCh37 (hg19) VCF-style: chr22-30051575-TTTGGT-ATAC.
Other names: c.-18-8_-18-3delinsATAC (NM_001407065.1); c.517-8_517-3delinsATAC (NM_181832.3, NM_001407060.1, NM_001407059.1 and 4 more transcripts); c.447+13301_447+13306delinsATAC (NM_181833.3); c.394-8_394-3delinsATAC (NM_001407058.1, NM_181829.3, NM_001407054.1 and 1 more transcripts); c.391-8_391-3delinsATAC (NM_001407055.1, NM_181828.3); c.268-8_268-3delinsATAC (NM_001407063.1, NM_181830.3, NM_001407064.1 and 1 more transcripts); c.403-8_403-3delinsATAC (NM_001407056.1, NM_001407053.1); c.286-8_286-3delinsATAC (NM_001407067.1).
Identifiers: ClinVar variation 4661652 (VCV004661652.1).

ClinVar aggregate classification (germline): Uncertain significance (1 of 4 stars; one submission).

Conditions:
Hereditary cancer-predisposing syndrome. Also called: Neoplastic Syndromes, Hereditary; Tumor predisposition; Hereditary Cancer Syndrome; Hereditary neoplastic syndrome. Identifiers: Orphanet 140162, MedGen C0027672, MeSH D009386, MONDO:0015356.

Submission:

Ambry Genetics
Classification: Uncertain significance for Hereditary cancer-predisposing syndrome. Last evaluated: 2025-12-08. Review status: criteria provided, single submitter. Criteria: Ambry Variant Classification Scheme 2023. Collection method: clinical testing. Allele origin: germline.
Comment: The c.517-8_517-3delTTTGGTinsATAC intronic variant, located in intron 5 of the NF2 gene, results from an in-frame deletion of 6 nucleotides and the insertion of 4 nucleotides at the nucleotide positions 517-8 to 517-3. This nucleotide position is well conserved in available vertebrate species. In silico splice site analysis predicts that this alteration will not have any significant effect on splicing. Based on the available evidence, the clinical significance of this variant remains unclear.